The following is an entry in ClinVar:

NM_001354712.2(THRB):c.*1049G>A

Gene: THRB (thyroid hormone receptor beta; minus strand). Cytogenetic location: 3p24.2.
Variant type: single nucleotide variant.
Coding change: c.*1049G>A on transcript NM_001354712.2 (MANE Select); 1049 bases downstream of the stop codon, G replaced by A.
Molecular consequence: 3 prime UTR variant.
Genome position (GRCh38, 1-based): chr3:24,121,835, C>T on the plus strand (G>A on the coding strand, the complement: THRB is on the minus strand). VCF-style: chr3-24121835-C-T. GRCh37 (hg19) VCF-style: chr3-24163326-C-T.
Other names: c.*1049G>A (NM_000461.5, NM_001128176.3, NM_001128177.2 and 8 more transcripts).
Identifiers: ClinVar variation 344620 (VCV000344620.5), dbSNP rs147770624, ClinGen allele CA10616062.
Genomic context (GRCh38, chr3:24,121,835, plus strand): 5'-TGAGGATCTAACCAGGAGGAAGCGTCCTCCAGCCATCAGGACACAAAGGGGCCCTCAGAA[C>T]ACTGCATTTCCTTCAACTCAGAATGTAGCTGCACTAATCTCGCCTCAGCATTTCTCCAGA-3'

ClinVar aggregate classification (germline): Benign (1 of 4 stars; one submission).

Conditions:
Thyroid hormone resistance, generalized, autosomal dominant (GRTHD). Also called: HYPERTHYROXINEMIA, FAMILIAL EUTHYROID, SECONDARY TO PITUITARY AND PERIPHERAL RESISTANCE TO THYROID HORMONES. Identifiers: MedGen C2937288, MONDO:0008569, OMIM 188570.

Allele frequency attached by ClinVar (database versions not stated): 1000 Genomes Project 0.00519; 1000 Genomes Project 30x 0.00531; gnomAD 0.00601 and 0.00648; TOPMed 0.00667.

Submission:

Illumina Laboratory Services, Illumina
Classification: Benign for Thyroid hormone resistance, generalized, autosomal dominant. Last evaluated: 2018-01-13. Review status: criteria provided, single submitter. Criteria: ICSL Variant Classification Criteria 13 December 2019. Collection method: clinical testing. Allele origin: germline.
Comment: This variant was observed in the ICSL laboratory as part of a predisposition screen in an ostensibly healthy population. It had not been previously curated by ICSL or reported in the Human Gene Mutation Database (HGMD: prior to June 1st, 2018), and was therefore a candidate for classification through an automated scoring system. Utilizing variant allele frequency, disease prevalence and penetrance estimates, and inheritance mode, an automated score was calculated to assess if this variant is too frequent to cause the disease. Based on the score and internal cut-off values, a variant classified as benign is not then subjected to further curation. The score for this variant resulted in a classification of benign for this disease.